The following is an entry in ClinVar:

NM_001379081.2(FREM1):c.1240C>T (p.Pro414Ser)

Gene: FREM1 (FRAS1 related extracellular matrix 1; minus strand). Cytogenetic location: 9p22.3.
Variant type: single nucleotide variant.
Coding change: c.1240C>T on transcript NM_001379081.2 (MANE Select); coding-DNA position 1240, C replaced by T.
Protein change: p.Pro414Ser; replaces proline 414 with serine.
Molecular consequence: missense variant. On other transcripts: non-coding transcript variant (4).
Genome position (GRCh38, 1-based): chr9:14,848,686, G>A on the plus strand (C>T on the coding strand, the complement: FREM1 is on the minus strand). VCF-style: chr9-14848686-G-A. GRCh37 (hg19) VCF-style: chr9-14848684-G-A.
Other names: c.1267C>T, p.Pro423Ser (NM_001370060.1); c.1240C>T, p.Pro414Ser (NM_001370063.1, NM_001370065.1, NM_144966.7); c.1240C>T (NM_144966.5); short protein forms P414S, P423S.
Identifiers: ClinVar variation 2166521 (VCV002166521.4), dbSNP rs753862574, ClinGen allele CA4991324.
Genomic context (GRCh38, chr9:14,848,686, plus strand): 5'-TCAGGGCTATGTTGCTCTATGCCTTATATTGAGCTTTACCTGTATTCCAGGATACACGGG[G>A]GGCATTTGTATCTGCTGTTCTGATGGAGATGTGGACTGTCATAGGTGCACTCCTTTCAAA-3'
Protein context (NP_001366010.1, residues 404-424): ISIRTADTNA[Pro414Ser]RVSWNTGLSL

ClinVar aggregate classification (germline): Uncertain significance. Review status: criteria provided, multiple submitters, no conflicts (2 of 4 stars). 2 submissions from 2 submitters: Uncertain significance (2). Last evaluated 2024-06-03.

Conditions:
BNAR syndrome. Also called: Bifid Nose With or Without Anorectal and Renal Anomalies (BNAR) Syndrome. Identifiers: Orphanet 217266, MedGen C2750433, MONDO:0012165, OMIM 608980.
Oculotrichoanal syndrome (MOTA). Also called: MARLES SYNDROME; Manitoba Oculotrichoanal (MOTA) Syndrome. Identifiers: Orphanet 2717, MedGen C1855425, MONDO:0009560, OMIM 248450.
Trigonocephaly 2 (TRIGNO2). Identifiers: Orphanet 3366, MedGen C3280974, MONDO:0013774, OMIM 614485.

Allele frequency attached by ClinVar (database versions not stated): TOPMed 0.00003; ExAC 0.00004; gnomAD 0.00001.
gnomAD v4.1: 19 of 1,607,118 alleles (0.0012%); highest among the groups gnomAD compares: Admixed American, 0.025%; no homozygotes.

Submissions (2):

Labcorp Genetics (formerly Invitae), Labcorp
Classification: Uncertain significance. Last evaluated: 2024-06-03. Review status: criteria provided, single submitter. Criteria: Invitae Variant Classification Sherloc (09022015). Collection method: clinical testing. Allele origin: germline.
Comment: This sequence change replaces proline, which is neutral and non-polar, with serine, which is neutral and polar, at codon 414 of the FREM1 protein (p.Pro414Ser). This variant is present in population databases (rs753862574, gnomAD 0.03%). This variant has not been reported in the literature in individuals affected with FREM1-related conditions. ClinVar contains an entry for this variant (Variation ID: 2166521). Advanced modeling of protein sequence and biophysical properties (such as structural, functional, and spatial information, amino acid conservation, physicochemical variation, residue mobility, and thermodynamic stability) performed at Invitae indicates that this missense variant is expected to disrupt FREM1 protein function with a positive predictive value of 80%. In summary, the available evidence is currently insufficient to determine the role of this variant in disease. Therefore, it has been classified as a Variant of Uncertain Significance.

Fulgent Genetics
Classification: Uncertain significance for Oculotrichoanal syndrome; BNAR syndrome; Trigonocephaly 2. Last evaluated: 2024-04-26. Review status: criteria provided, single submitter. Criteria: ACMG Guidelines, 2015. Collection method: clinical testing. Allele origin: germline.